The following is an entry in ClinVar:

ClinVar aggregate classification (germline): Uncertain significance (1 of 4 stars; one submission).

Submission:

Labcorp Genetics (formerly Invitae), Labcorp
Classification: Uncertain significance. Last evaluated: 2025-09-21. Review status: criteria provided, single submitter. Criteria: Invitae Variant Classification Sherloc (09022015). Collection method: clinical testing. Allele origin: germline.
Comment: This sequence change replaces arginine, which is basic and polar, with cysteine, which is neutral and slightly polar, at codon 134 of the BDNF protein (p.Arg134Cys). This variant is not present in population databases (gnomAD no frequency). This variant has not been reported in the literature in individuals affected with BDNF-related conditions. Experimental studies and prediction algorithms are not available or were not evaluated, and the functional significance of this variant is currently unknown. In summary, the available evidence is currently insufficient to determine the role of this variant in disease. Therefore, it has been classified as a Variant of Uncertain Significance.

NM_001709.5(BDNF):c.400C>T (p.Arg134Cys)

Genes: BDNF (brain derived neurotrophic factor; minus strand), BDNF-AS (BDNF antisense RNA; plus strand). Cytogenetic location: 11p14.1.
Variant type: single nucleotide variant.
Coding change: c.400C>T on transcript NM_001709.5 (MANE Select); coding-DNA position 400, C replaced by T.
Protein change: p.Arg134Cys; replaces arginine 134 with cysteine.
Molecular consequence: missense variant.
Genome position (GRCh38, 1-based): chr11:27,658,165, G>A on the plus strand (C>T on the coding strand, the complement: BDNF is on the minus strand). VCF-style: chr11-27658165-G-A. GRCh37 (hg19) VCF-style: chr11-27679712-G-A.
Other names: c.400C>T, p.Arg134Cys (NM_001143805.1, NM_001143806.1, NM_001143807.2 and 9 more transcripts); c.487C>T, p.Arg163Cys (NM_001143809.2); c.646C>T, p.Arg216Cys (NM_001143810.2); c.424C>T, p.Arg142Cys (NM_170731.5); c.445C>T, p.Arg149Cys (NM_170734.4); short protein forms R163C, R149C, R216C, R134C, R142C.
Identifiers: ClinVar variation 4773331 (VCV004773331.1).
Genomic context (GRCh38, chr11:27,658,165, plus strand): 5'-TTTTGTCTGCCGCCGTTACCCACTCACTAATACTGTCACACACGCTCAGCTCCCCTCGGC[G>A]GGCAGGGTCAGAGTGGCGCCGGACCCTCATGGACATGTTTGCAGCATCTAGGTAATTTTT-3'
Protein context (NP_001700.2, residues 124-144): MRVRRHSDPA[Arg134Cys]RGELSVCDSI